The following is an entry in ClinVar:

ClinVar aggregate classification (germline): Uncertain significance. Review status: criteria provided, multiple submitters, no conflicts (2 of 4 stars). 2 submissions from 2 submitters: Uncertain significance (2). Last evaluated 2025-06-04.

Conditions:
Pancreatic adenocarcinoma. Identifiers: MedGen C0281361, MONDO:0006047, HP:0006725.

Allele frequency attached by ClinVar (database versions not stated): ExAC 0.00007; ESP Exome Variant Server 0.00008; gnomAD 0.00008 and 0.00011; gnomAD exomes 0.00008; TOPMed 0.00014.
gnomAD v4.1: 61 of 1,614,036 alleles (0.0038%); highest among the groups gnomAD compares: Admixed American, 0.045%; no homozygotes.

Submissions (2):

Labcorp Genetics (formerly Invitae), Labcorp
Classification: Uncertain significance for Pancreatic adenocarcinoma. Last evaluated: 2025-06-04. Review status: criteria provided, single submitter. Criteria: Invitae Variant Classification Sherloc (09022015). Collection method: clinical testing. Allele origin: germline.
Comment: This sequence change replaces isoleucine, which is neutral and non-polar, with serine, which is neutral and polar, at codon 301 of the PALLD protein (p.Ile301Ser). This variant is present in population databases (rs150764613, gnomAD 0.04%), and has an allele count higher than expected for a pathogenic variant. This variant has not been reported in the literature in individuals affected with PALLD-related conditions. ClinVar contains an entry for this variant (Variation ID: 136015). An algorithm developed to predict the effect of missense changes on protein structure and function (PolyPhen-2) suggests that this variant is likely to be tolerated. In summary, the available evidence is currently insufficient to determine the role of this variant in disease. Therefore, it has been classified as a Variant of Uncertain Significance.

Ambry Genetics
Classification: Uncertain significance. Last evaluated: 2022-09-13. Review status: criteria provided, single submitter. Criteria: Ambry Variant Classification Scheme 2023. Collection method: clinical testing. Allele origin: germline.
Comment: The p.I788S variant (also known as c.2363T>G), located in coding exon 12 of the PALLD gene, results from a T to G substitution at nucleotide position 2363. The isoleucine at codon 788 is replaced by serine, an amino acid with dissimilar properties. This amino acid position is conserved. In addition, the in silico prediction for this alteration is inconclusive. Since supporting evidence is limited at this time, the clinical significance of this alteration remains unclear.

NM_001166108.2(PALLD):c.2414T>G (p.Ile805Ser)

Genes: CBR4 (carbonyl reductase 4; minus strand), PALLD (palladin, cytoskeletal associated protein; plus strand). Cytogenetic location: 4q32.3.
Variant type: single nucleotide variant.
Coding change: c.2414T>G on transcript NM_001166108.2 (MANE Select); coding-DNA position 2414, T replaced by G.
Protein change: p.Ile805Ser; replaces isoleucine 805 with serine.
Molecular consequence: missense variant.
Genome position (GRCh38, 1-based): chr4:168,898,656, T>G. VCF-style: chr4-168898656-T-G. GRCh37 (hg19) VCF-style: chr4-169819807-T-G.
Other names: c.1217T>G, p.Ile406Ser (NM_001166109.2); c.902T>G, p.Ile301Ser (NM_001166110.2); c.242T>G, p.Ile81Ser (NM_001367567.1, NM_001367569.1); c.293T>G, p.Ile98Ser (NM_001367568.1, NM_001367570.1); c.2363T>G, p.Ile788Ser (NM_016081.4); short protein forms I788S, I301S, I805S, I81S, I98S, I406S.
Identifiers: ClinVar variation 136015 (VCV000136015.12), dbSNP rs150764613, ClinGen allele CA332758.